The following is an entry in ClinVar:

NM_031857.2(PCDHA9):c.1714G>C (p.Gly572Arg)

Genes: PCDHA1 (protocadherin alpha 1; plus strand), PCDHA2 (protocadherin alpha 2; plus strand), PCDHA3 (protocadherin alpha 3; plus strand), PCDHA4 (protocadherin alpha 4; plus strand), PCDHA5 (protocadherin alpha 5; plus strand) and 5 more. Cytogenetic location: 5q31.3.
Variant type: single nucleotide variant.
Coding change: c.1714G>C on transcript NM_031857.2 (MANE Select); coding-DNA position 1714, G replaced by C.
Protein change: p.Gly572Arg; replaces glycine 572 with arginine.
Molecular consequence: missense variant. On other transcripts: intron variant (10).
Genome position (GRCh38, 1-based): chr5:140,850,209, G>C. VCF-style: chr5-140850209-G-C. GRCh37 (hg19) VCF-style: chr5-140229794-G-C.
Other names: c.1714G>C, p.Gly572Arg (NM_014005.5); c.2394+61525G>C (NM_018900.4); c.1602+62317G>C (NM_031411.3); c.2388+52857G>C (NM_018905.3); c.2394+46618G>C (NM_018906.3); c.2385+40637G>C (NM_018907.4); c.2352+26082G>C (NM_018908.3); c.2394+19724G>C (NM_018909.4); and 3 more; short protein forms G572R.
Identifiers: ClinVar variation 3059964 (VCV003059964.2), dbSNP rs17844333, ClinGen allele CA3450574.

ClinVar aggregate classification (germline): Likely benign (0 of 4 stars; one submission).

Conditions:
PCDHA9-related disorder. Also called: PCDHA9-related condition.

Allele frequency attached by ClinVar (database versions not stated): gnomAD 0.01285; 1000 Genomes Project 30x 0.02295.
gnomAD v4.1: 11,231 of 1,593,568 alleles (0.7%); highest among the groups gnomAD compares: Admixed American, 15%; 1,600 homozygotes.

Submission:

PreventionGenetics, part of Exact Sciences
Classification: Likely benign for PCDHA9-related condition. Last evaluated: 2020-09-29. Review status: no assertion criteria provided. Collection method: clinical testing. Allele origin: germline.
Comment: This variant is classified as likely benign based on ACMG/AMP sequence variant interpretation guidelines (Richards et al. 2015 PMID: 25741868, with internal and published modifications).